The following is an entry in ClinVar:

ClinVar aggregate classification (germline): Likely benign (1 of 4 stars; one submission).

Conditions:
LOXL1-related disorder. Also called: LOXL1-related condition.

gnomAD v4.1: 5 of 1,299,534 alleles (0.00038%); highest among the groups gnomAD compares: Admixed American, 0.0041%; no homozygotes.

Submission:

PreventionGenetics, part of Exact Sciences
Classification: Likely benign for LOXL1-related condition. Last evaluated: 2025-09-03. Review status: criteria provided, single submitter. Criteria: ACMG Guidelines, 2015. Collection method: clinical testing. Allele origin: germline.
Comment: This variant is classified as likely benign based on ACMG/AMP sequence variant interpretation guidelines (Richards et al. 2015 PMID: 25741868, with internal and published modifications).

NM_005576.4(LOXL1):c.309G>A (p.Pro103=)

Genes: LOXL1 (lysyl oxidase like 1; plus strand), LOXL1-AS1 (LOXL1 antisense RNA 1; minus strand). Cytogenetic location: 15q24.1.
Variant type: single nucleotide variant.
Coding change: c.309G>A on transcript NM_005576.4 (MANE Select); coding-DNA position 309, G replaced by A.
Protein change: p.Pro103=; no amino-acid change (proline 103 retained).
Molecular consequence: synonymous variant.
Genome position (GRCh38, 1-based): chr15:73,927,092, G>A. VCF-style: chr15-73927092-G-A. GRCh37 (hg19) VCF-style: chr15-74219433-G-A.
Identifiers: ClinVar variation 4986600 (VCV004986600.1).